The following is an entry in ClinVar:

ClinVar aggregate classification (germline): Uncertain significance (1 of 4 stars; one submission).

Allele frequency attached by ClinVar (database versions not stated): gnomAD 0.00001; TOPMed 0.00001.
gnomAD v4.1: 27 of 1,613,834 alleles (0.0017%); highest among the groups gnomAD compares: East Asian, 0.016%; no homozygotes.

Submission:

Labcorp Genetics (formerly Invitae), Labcorp
Classification: Uncertain significance. Last evaluated: 2022-08-04. Review status: criteria provided, single submitter. Criteria: Invitae Variant Classification Sherloc (09022015). Collection method: clinical testing. Allele origin: germline.
Comment: In summary, the available evidence is currently insufficient to determine the role of this variant in disease. Therefore, it has been classified as a Variant of Uncertain Significance. Algorithms developed to predict the effect of missense changes on protein structure and function output the following: SIFT: "Tolerated"; PolyPhen-2: "Benign"; Align-GVGD: "Class C0". The histidine amino acid residue is found in multiple mammalian species, which suggests that this missense change does not adversely affect protein function. This variant has not been reported in the literature in individuals affected with SRCAP-related conditions. This variant is present in population databases (no rsID available, gnomAD 0.0009%). This sequence change replaces leucine, which is neutral and non-polar, with histidine, which is basic and polar, at codon 1700 of the SRCAP protein (p.Leu1700His).

NM_006662.3(SRCAP):c.5099T>A (p.Leu1700His)

Gene: SRCAP (Snf2 related CREBBP activator protein; plus strand). Cytogenetic location: 16p11.2.
Variant type: single nucleotide variant.
Coding change: c.5099T>A on transcript NM_006662.3 (MANE Select); coding-DNA position 5099, T replaced by A.
Protein change: p.Leu1700His; replaces leucine 1700 with histidine.
Molecular consequence: missense variant.
Genome position (GRCh38, 1-based): chr16:30,724,523, T>A. VCF-style: chr16-30724523-T-A. GRCh37 (hg19) VCF-style: chr16-30735844-T-A.
Other names: short protein forms L1700H.
Identifiers: ClinVar variation 1895652 (VCV001895652.5), dbSNP rs1006450801, ClinGen allele CA280513627.